The following is an entry in ClinVar:

NM_004237.4(TRIP13):c.222T>A (p.Ser74=)

Gene: TRIP13 (thyroid hormone receptor interactor 13; plus strand). Cytogenetic location: 5p15.33.
Variant type: single nucleotide variant.
Coding change: c.222T>A on transcript NM_004237.4 (MANE Select); coding-DNA position 222, T replaced by A.
Protein change: p.Ser74=; no amino-acid change (serine 74 retained).
Molecular consequence: synonymous variant.
Genome position (GRCh38, 1-based): chr5:894,916, T>A. VCF-style: chr5-894916-T-A. GRCh37 (hg19) VCF-style: chr5-895031-T-A.
Other names: c.222T>A, p.Ser74= (NM_001166260.2).
Identifiers: ClinVar variation 4821777 (VCV004821777.4).

ClinVar aggregate classification (germline): Likely benign (1 of 4 stars; one submission).

gnomAD v4.1: 16 of 1,612,646 alleles (0.00099%); highest among the groups gnomAD compares: Non-Finnish European, 0.0014%; no homozygotes.

Submission:

CeGaT Center for Human Genetics Tuebingen
Classification: Likely benign. Last evaluated: 2026-03-01. Review status: criteria provided, single submitter. Criteria: CeGaT Center For Human Genetics Tuebingen Variant Classification Criteria Version 2. Collection method: clinical testing. Allele origin: germline. Affected: yes. Observed: 1 variant allele.
Comment: TRIP13: BP4, BP7